The following is an entry in ClinVar:

NM_000159.4(GCDH):c.474G>C (p.Glu158Asp)

Gene: GCDH (glutaryl-CoA dehydrogenase; plus strand). Cytogenetic location: 19p13.13.
Variant type: single nucleotide variant.
Coding change: c.474G>C on transcript NM_000159.4 (MANE Select); coding-DNA position 474, G replaced by C.
Protein change: p.Glu158Asp; replaces glutamic acid 158 with aspartic acid.
Molecular consequence: missense variant. On other transcripts: non-coding transcript variant (2).
Genome position (GRCh38, 1-based): chr19:12,893,622, G>C. VCF-style: chr19-12893622-G-C. GRCh37 (hg19) VCF-style: chr19-13004436-G-C.
Other names: c.474G>C, p.Glu158Asp (NM_013976.5); short protein forms E158D.
Identifiers: ClinVar variation 4535909 (VCV004535909.1).
Genomic context (GRCh38, chr19:12,893,622, plus strand): 5'-GTCGGCGATGAGTGTCCAGTCCTCCCTCGTCATGCACCCTATCTATGCCTATGGCAGCGA[G>C]GAACAGCGGCAGAAGTACCTGCCCCAGCTGGGTGAGTGGCTGCCCATGGGGCCTGGTGGA-3'
Protein context (NP_000150.1, residues 148-168): VMHPIYAYGS[Glu158Asp]EQRQKYLPQL

ClinVar aggregate classification (germline): Uncertain significance (1 of 4 stars; one submission).

Submission:

Women's Health and Genetics/Laboratory Corporation of America, LabCorp
Classification: Uncertain significance. Last evaluated: 2025-09-02. Review status: criteria provided, single submitter. Criteria: LabCorp Variant Classification Summary - May 2015. Collection method: clinical testing. Allele origin: germline.
Comment: Variant summary: GCDH c.474G>C (p.Glu158Asp) results in a conservative amino acid change in the encoded protein sequence. Algorithms developed to predict the effect of missense changes on protein structure and function are either unavailable or do not agree on the potential impact of this missense change. The variant was absent in 251420 control chromosomes. The available data on variant occurrences in the general population are insufficient to allow any conclusion about variant significance. To our knowledge, no occurrence of c.474G>C in individuals affected with GCDH-related conditions and no experimental evidence demonstrating its impact on protein function have been reported. No submitters have cited clinical-significance assessments for this variant to ClinVar. Based on the evidence outlined above, the variant was classified as uncertain significance.